The following is an entry in ClinVar:

ClinVar aggregate classification (germline): Uncertain significance (1 of 4 stars; one submission).

Conditions:
TTN-related disorder. Also called: TTN-related condition; TTN-related disease; TTN-related disorders.

Allele frequency attached by ClinVar (database versions not stated): gnomAD exomes below 0.00001.
gnomAD v4.1: 7 of 1,613,406 alleles (0.00043%); highest among the groups gnomAD compares: South Asian, 0.0011%; no homozygotes.

Submission:

PreventionGenetics, part of Exact Sciences
Classification: Uncertain significance for TTN-related condition. Last evaluated: 2022-08-30. Review status: criteria provided, single submitter. Criteria: ACMG Guidelines, 2015. Collection method: clinical testing. Allele origin: germline.
Comment: The TTN c.80707G>A variant is predicted to result in the amino acid substitution p.Val26903Ile. To our knowledge, this variant has not been reported in the literature. This variant is reported in 1 out of ~248,000 alleles in gnomAD. At this time, the clinical significance of this variant is uncertain due to the absence of conclusive functional and genetic evidence.

NM_001267550.2(TTN):c.80707G>A (p.Val26903Ile)

Genes: TTN (titin; minus strand), TTN-AS1 (TTN antisense RNA 1; plus strand). Cytogenetic location: 2q31.2.
Variant type: single nucleotide variant.
Coding change: c.80707G>A on transcript NM_001267550.2 (MANE Select); coding-DNA position 80707, G replaced by A.
Protein change: p.Val26903Ile; replaces valine 26903 with isoleucine.
Molecular consequence: missense variant.
Genome position (GRCh38, 1-based): chr2:178,565,425, C>T on the plus strand (G>A on the coding strand, the complement: TTN is on the minus strand). VCF-style: chr2-178565425-C-T. GRCh37 (hg19) VCF-style: chr2-179430152-C-T.
Other names: c.75784G>A, p.Val25262Ile (NM_001256850.1); c.53512G>A, p.Val17838Ile (NM_003319.4); c.73003G>A, p.Val24335Ile (NM_133378.4); c.53887G>A, p.Val17963Ile (NM_133432.3); c.54088G>A, p.Val18030Ile (NM_133437.4); short protein forms V24335I, V17963I, V18030I, V17838I, V25262I, V26903I.
Identifiers: ClinVar variation 2636220 (VCV002636220.1), dbSNP rs1559341049, ClinGen allele CA349586750.